The following is an entry in ClinVar:

NM_004360.5(CDH1):c.22C>G (p.Leu8Val)

Gene: CDH1 (cadherin 1; plus strand). Cytogenetic location: 16q22.1.
Variant type: single nucleotide variant.
Coding change: c.22C>G on transcript NM_004360.5 (MANE Select); coding-DNA position 22, C replaced by G.
Protein change: p.Leu8Val; replaces leucine 8 with valine.
Molecular consequence: missense variant. On other transcripts: 5 prime UTR variant (2).
Genome position (GRCh38, 1-based): chr16:68,737,437, C>G. VCF-style: chr16-68737437-C-G. GRCh37 (hg19) VCF-style: chr16-68771340-C-G.
Other names: c.22C>G, p.Leu8Val (NM_001317184.2); c.-1594C>G (NM_001317185.2); c.-1798C>G (NM_001317186.2); short protein forms L8V.
Identifiers: ClinVar variation 821055 (VCV000821055.14), dbSNP rs1234138761, ClinGen allele CA396451318.

ClinVar aggregate classification (germline): Conflicting classifications of pathogenicity. Review status: criteria provided, conflicting classifications (1 of 4 stars). 2 submissions from 2 submitters: Uncertain significance (1); Likely benign (1). Last evaluated 2025-08-13.

Conditions:
Hereditary cancer-predisposing syndrome. Also called: Hereditary Cancer Syndrome; Neoplastic Syndromes, Hereditary; Hereditary neoplastic syndrome; Tumor predisposition. Identifiers: Orphanet 140162, MedGen C0027672, MeSH D009386, MONDO:0015356.
Hereditary diffuse gastric adenocarcinoma (HDGC). Also called: DIFFUSE GASTRIC AND LOBULAR BREAST CANCER SYNDROME. Identifiers: Orphanet 26106, MedGen C1708349, MONDO:0007648, OMIM 137215.

Allele frequency attached by ClinVar (database versions not stated): gnomAD exomes 0.00001.
gnomAD v4.1: 2 of 1,535,302 alleles (0.00013%); highest among the groups gnomAD compares: Non-Finnish European, 0.00017%; no homozygotes.

Submissions (2):

Labcorp Genetics (formerly Invitae), Labcorp
Classification: Uncertain significance for Hereditary diffuse gastric adenocarcinoma. Last evaluated: 2025-08-13. Review status: criteria provided, single submitter. Criteria: Invitae Variant Classification Sherloc (09022015). Collection method: clinical testing. Allele origin: germline.
Comment: This sequence change replaces leucine, which is neutral and non-polar, with valine, which is neutral and non-polar, at codon 8 of the CDH1 protein (p.Leu8Val). This variant is present in population databases (no rsID available, gnomAD 0.002%). This variant has not been reported in the literature in individuals affected with CDH1-related conditions. ClinVar contains an entry for this variant (Variation ID: 821055). An algorithm developed to predict the effect of missense changes on protein structure and function outputs the following: PolyPhen-2: "Benign". The valine amino acid residue is found in multiple mammalian species, which suggests that this missense change does not adversely affect protein function. In summary, the available evidence is currently insufficient to determine the role of this variant in disease. Therefore, it has been classified as a Variant of Uncertain Significance.

Ambry Genetics
Classification: Likely benign for Hereditary cancer-predisposing syndrome. Last evaluated: 2024-10-11. Review status: criteria provided, single submitter. Criteria: Ambry Variant Classification Scheme 2023. Collection method: clinical testing. Allele origin: germline.